The following is an entry in ClinVar:

NM_000264.5(PTCH1):c.3273del (p.Gly1091_Ile1092insTer)

Gene: PTCH1 (patched 1; minus strand). Cytogenetic location: 9q22.32.
Variant type: Deletion.
Coding change: c.3273del on transcript NM_000264.5 (MANE Select); coding-DNA position 3273, one base deleted (C; older notation c.3273delC).
Protein change: p.Gly1091_Ile1092insTer.
Molecular consequence: frameshift variant. On other transcripts: non-coding transcript variant (1).
Genome position (GRCh38, 1-based): chr9:95,456,309, G deleted on the plus strand (C on the coding strand, the reverse complement: PTCH1 is on the minus strand). VCF-style (leftmost placement, unchanged base first): chr9-95456308-TG-T. GRCh37 (hg19) VCF-style: chr9-98218590-TG-T.
Other names: c.3075del, p.Gly1025_Ile1026insTer (NM_001083602.3); c.3270del, p.Gly1090_Ile1091insTer (NM_001083603.3); c.2820del, p.Gly940_Ile941insTer (NM_001083604.3, NM_001083605.3, NM_001083606.3 and 1 more transcripts); c.3117del, p.Gly1039_Ile1040insTer (NM_001354918.2).
Identifiers: ClinVar variation 2764915 (VCV002764915.3), dbSNP rs2468959271, ClinGen allele CA2697557887.
Genomic context (GRCh38, chr9:95,456,308, plus strand): 5'-AAGTTTTTGCTTCAAATGTCTCCCATACCAAAGCAACGTGAACGGTGAACTCCACTCCTA[TG>T]CCAACAGAAGCGATCAGGATGACCACGGGCACGGCACTGAGCTTGATTCCGATGAGGCCC-3'

ClinVar aggregate classification (germline): Pathogenic (1 of 4 stars; one submission).

Conditions:
Gorlin syndrome. Also called: Nevoid Basal Cell Carcinoma Syndrome; Basal cell nevus syndrome. Identifiers: Orphanet 377, MedGen C0004779, MONDO:0007187.

Submission:

Labcorp Genetics (formerly Invitae), Labcorp
Classification: Pathogenic for Gorlin syndrome. Last evaluated: 2023-06-04. Review status: criteria provided, single submitter. Criteria: Invitae Variant Classification Sherloc (09022015). Collection method: clinical testing. Allele origin: germline.
Comment: For these reasons, this variant has been classified as Pathogenic. This variant has not been reported in the literature in individuals affected with PTCH1-related conditions. This variant is not present in population databases (gnomAD no frequency). This sequence change creates a premature translational stop signal (p.Ile1092*) in the PTCH1 gene. It is expected to result in an absent or disrupted protein product. Loss-of-function variants in PTCH1 are known to be pathogenic (PMID: 16301862, 16419085).

Literature cited by the submitters: PubMed 16301862; PubMed 16419085.